The following is an entry in ClinVar:

ClinVar aggregate classification (germline): Pathogenic/Likely pathogenic. Review status: criteria provided, multiple submitters, no conflicts (2 of 4 stars). 2 submissions from 2 submitters: Pathogenic (1); Likely pathogenic (1). Last evaluated 2021-11-22.

Conditions:
Cardiovascular phenotype. Identifiers: MedGen CN230736.
Hypertrophic cardiomyopathy 26. Also called: Cardiomyopathy, familial hypertrophic, 26. Identifiers: Orphanet 75249, MedGen C4310749, MONDO:0014883, OMIM 617047.

Submissions (2):

Ambry Genetics
Classification: Pathogenic for Cardiovascular phenotype. Last evaluated: 2021-11-22. Review status: criteria provided, single submitter. Criteria: Ambry Variant Classification Scheme 2023. Collection method: clinical testing. Allele origin: germline.
Comment: The p.S1806* pathogenic mutation (also known as c.5417C>A), located in coding exon 33 of the FLNC gene, results from a C to A substitution at nucleotide position 5417. This changes the amino acid from a serine to a stop codon within coding exon 33. This alteration is expected to result in loss of function by premature protein truncation or nonsense-mediated mRNA decay. As such, this alteration is interpreted as a disease-causing mutation.

Clinical Genomics Laboratory, Stanford Medicine
Classification: Likely pathogenic for Hypertrophic cardiomyopathy 26. Last evaluated: 2021-09-20. Review status: criteria provided, single submitter. Criteria: ACMG Guidelines, 2015. Collection method: clinical testing. Allele origin: germline. Inheritance: Autosomal dominant inheritance. Affected: yes. Observed: 1 variant allele, 1 heterozygote.
Comment: The p.Ser1806* variant in the FLNC gene has not been previously reported in association with disease. This variant was absent from large population databases, including the Genome Aggregation Database. This variant leads to a premature stop codon in exon 33 of 48 exons, and is therefore predicted to undergo nonsense-mediated decay resulting in a truncated or absent protein. Heterozygous loss-of-function is one of the established mechanisms of disease for the FLNC gene and truncating variants are associated with dilated cardiomyopathy with arrhythmogenic presentations (Verdonschot et al., 2020). These data were assessed using the ACMG/AMP variant interpretation guidelines. In summary, there is sufficient evidence to classify the p.Ser1806* variant as likely pathogenic for FLNC-related cardiomyopathy in an autosomal dominant manner based on the information above. [ACMG evidence codes used: PVS1; PM2]

Literature cited by the submitters: PubMed 32112656 (cited by Clinical Genomics Laboratory, Stanford Medicine).

NM_001458.5(FLNC):c.5417C>A (p.Ser1806Ter)

Genes: FLNC (filamin C; plus strand), FLNC-AS1 (FLNC antisense RNA 1; minus strand). Cytogenetic location: 7q32.1.
Variant type: single nucleotide variant.
Coding change: c.5417C>A on transcript NM_001458.5 (MANE Select); coding-DNA position 5417, C replaced by A.
Protein change: p.Ser1806Ter; replaces serine 1806 with a stop codon.
Molecular consequence: nonsense.
Genome position (GRCh38, 1-based): chr7:128,850,821, C>A. VCF-style: chr7-128850821-C-A. GRCh37 (hg19) VCF-style: chr7-128490875-C-A.
Other names: c.5318C>A, p.Ser1773Ter (NM_001127487.2); short protein forms S1773*, S1806*.
Identifiers: ClinVar variation 1747394 (VCV001747394.3), dbSNP rs1224086145, ClinGen allele CA369206618.
Genomic context (GRCh38, chr7:128,850,821, plus strand): 5'-GGGGGAAACCAGGGTCTCCACGTAACTGTGTCTGCCCTGCAGGAGAGGTGCGGATGCCCT[C>A]GGGGAAGACGGCACGGCCCAACATCACCGACAACAAGGACGGCACCATCACGGTGAGGTA-3'